The following is an entry in ClinVar:

ClinVar aggregate classification (germline): Likely benign (1 of 4 stars; one submission).

Conditions:
PRIMPOL-related disorder. Also called: PRIMPOL-related condition.

Submission:

PreventionGenetics, part of Exact Sciences
Classification: Likely benign for PRIMPOL-related condition. Last evaluated: 2026-06-02. Review status: criteria provided, single submitter. Criteria: ACMG Guidelines, 2015. Collection method: clinical testing. Allele origin: germline.
Comment: This variant is classified as likely benign based on ACMG/AMP sequence variant interpretation guidelines (Richards et al. 2015 PMID: 25741868, with internal and published modifications).

NM_152683.4(PRIMPOL):c.966C>T (p.Asp322=)

Gene: PRIMPOL (primase and DNA directed polymerase; plus strand). Cytogenetic location: 4q35.1.
Variant type: single nucleotide variant.
Coding change: c.966C>T on transcript NM_152683.4 (MANE Select); coding-DNA position 966, C replaced by T.
Protein change: p.Asp322=; no amino-acid change (aspartic acid 322 retained).
Molecular consequence: synonymous variant. On other transcripts: non-coding transcript variant (2), intron variant (1).
Genome position (GRCh38, 1-based): chr4:184,678,353, C>T. VCF-style: chr4-184678353-C-T. GRCh37 (hg19) VCF-style: chr4-185599507-C-T.
Other names: c.579C>T, p.Asp193= (NM_001300767.2); c.966C>T, p.Asp322= (NM_001300768.2, NM_001345891.2, NM_001345892.2 and 3 more transcripts); c.270C>T, p.Asp90= (NM_001345894.2, NM_001345897.2, NM_001345898.2 and 1 more transcripts); c.441C>T, p.Asp147= (NM_001345900.2); c.844+5893C>T (NM_001345899.2).
Identifiers: ClinVar variation 4992498 (VCV004992498.1).